The following is an entry in ClinVar:

NM_000051.4(ATM):c.1133G>C (p.Ser378Thr)

Gene: ATM (ATM serine/threonine kinase; plus strand). Cytogenetic location: 11q22.3.
Variant type: single nucleotide variant.
Coding change: c.1133G>C on transcript NM_000051.4 (MANE Select); coding-DNA position 1133, G replaced by C.
Protein change: p.Ser378Thr; replaces serine 378 with threonine.
Molecular consequence: missense variant.
Genome position (GRCh38, 1-based): chr11:108,249,000, G>C. VCF-style: chr11-108249000-G-C. GRCh37 (hg19) VCF-style: chr11-108119727-G-C.
Other names: c.1133G>C, p.Ser378Thr (NM_001351834.2); short protein forms S378T.
Identifiers: ClinVar variation 3659990 (VCV003659990.3).
Genomic context (GRCh38, chr11:108,249,000, plus strand): 5'-ATGAAGATACCAGATCCTTGGAGATTTCTCAATCTTACACTACTACACAAAGAGAATCTA[G>C]TGATTACAGTGTCCCTTGCAAAAGGAAGAAAATAGAACTAGGCTGGGAAGTAATAAAAGA-3'
Protein context (NP_000042.3, residues 368-388): QSYTTTQRES[Ser378Thr]DYSVPCKRKK

ClinVar aggregate classification (germline): Uncertain significance. Review status: criteria provided, multiple submitters, no conflicts (2 of 4 stars). 2 submissions from 2 submitters: Uncertain significance (2). Last evaluated 2025-07-15.

Conditions:
Hereditary cancer-predisposing syndrome. Also called: Neoplastic Syndromes, Hereditary; Hereditary neoplastic syndrome; Tumor predisposition; Hereditary Cancer Syndrome. Identifiers: Orphanet 140162, MedGen C0027672, MeSH D009386, MONDO:0015356.
Ataxia-telangiectasia syndrome (AT). Also called: LOUIS-BAR SYNDROME; Cerebello-oculocutaneous telangiectasia; Immunodeficiency with ataxia telangiectasia; ATAXIA-TELANGIECTASIA, COMPLEMENTATION GROUP A; ATAXIA-TELANGIECTASIA, FRESNO VARIANT; Ataxia-telangiectasia, complementation group D. Identifiers: Orphanet 100, MedGen C0004135, MONDO:0008840, OMIM 208900.

gnomAD v4.1: 1 of 1,613,234 alleles (0.000062%); no homozygotes.

Submissions (2):

Ambry Genetics
Classification: Uncertain significance for Hereditary cancer-predisposing syndrome. Last evaluated: 2025-07-15. Review status: criteria provided, single submitter. Criteria: Ambry Variant Classification Scheme 2023. Collection method: clinical testing. Allele origin: germline.
Comment: The p.S378T variant (also known as c.1133G>C), located in coding exon 8 of the ATM gene, results from a G to C substitution at nucleotide position 1133. The serine at codon 378 is replaced by threonine, an amino acid with similar properties. This amino acid position is conserved. In addition, this alteration is predicted to be tolerated by in silico analysis. Based on the available evidence, the clinical significance of this variant remains unclear.

Labcorp Genetics (formerly Invitae), Labcorp
Classification: Uncertain significance for Ataxia-telangiectasia syndrome. Last evaluated: 2024-07-20. Review status: criteria provided, single submitter. Criteria: Invitae Variant Classification Sherloc (09022015). Collection method: clinical testing. Allele origin: germline.
Comment: This sequence change replaces serine, which is neutral and polar, with threonine, which is neutral and polar, at codon 378 of the ATM protein (p.Ser378Thr). This variant is not present in population databases (gnomAD no frequency). This variant has not been reported in the literature in individuals affected with ATM-related conditions. An algorithm developed to predict the effect of missense changes on protein structure and function outputs the following: PolyPhen-2: "Benign". The threonine amino acid residue is found in multiple mammalian species, which suggests that this missense change does not adversely affect protein function. In summary, the available evidence is currently insufficient to determine the role of this variant in disease. Therefore, it has been classified as a Variant of Uncertain Significance.